The following is an entry in ClinVar:

NM_001330078.2(NRXN1):c.1134+112A>T

Gene: NRXN1 (neurexin 1; minus strand). Cytogenetic location: 2p16.3.
Variant type: single nucleotide variant.
Coding change: c.1134+112A>T on transcript NM_001330078.2 (MANE Select); 112 bases into the intron after coding-DNA position 1134, A replaced by T.
Molecular consequence: intron variant.
Genome position (GRCh38, 1-based): chr2:50,623,202, T>A on the plus strand (A>T on the coding strand, the complement: NRXN1 is on the minus strand). VCF-style: chr2-50623202-T-A. GRCh37 (hg19) VCF-style: chr2-50850340-T-A.
Other names: c.1074+112A>T (NM_001330096.2, NM_001330087.2, NM_001330083.2 and 1 more transcripts); c.1104+112A>T (NM_001330088.2); c.1131+112A>T (NM_001330093.2); c.1122+112A>T (NM_001330094.2); c.1134+112A>T (NM_001330095.2, NM_001330082.2, NM_001330077.2 and 3 more transcripts); c.1233+112A>T (NM_001135659.3).
Identifiers: ClinVar variation 677585 (VCV000677585.2), dbSNP rs61190471, ClinGen allele CA47955094.

ClinVar aggregate classification (germline): Benign. Review status: criteria provided, multiple submitters, no conflicts (2 of 4 stars). 2 submissions from 2 submitters: Benign (2). Last evaluated 2018-06-14.

Allele frequency attached by ClinVar (database versions not stated): gnomAD exomes 0.00196; 1000 Genomes Project 0.01677; gnomAD 0.01709; 1000 Genomes Project 30x 0.01905; TOPMed 0.01913.
gnomAD v4.1: 3,937 of 779,110 alleles (0.51%); highest among the groups gnomAD compares: African/African-American, 5.9%; 101 homozygotes.

Submissions (2):

GeneDx
Classification: Benign. Last evaluated: 2018-06-14. Review status: criteria provided, single submitter. Criteria: GeneDx Variant Classification (06012015). Collection method: clinical testing. Allele origin: germline. Affected: yes.
Comment: This variant is considered likely benign or benign based on one or more of the following criteria: it is a conservative change, it occurs at a poorly conserved position in the protein, it is predicted to be benign by multiple in silico algorithms, and/or has population frequency not consistent with disease.

Breakthrough Genomics
Classification: Benign. Review status: criteria provided, single submitter. Criteria: ACMG Guidelines, 2015. Collection method: not provided. Allele origin: germline. Inheritance: Autosomal recessive inheritance. Affected: yes.